The following is an entry in ClinVar:

NM_014698.3(TMEM63A):c.2308CAG[7] (p.Gln775_Thr776insGln)

Gene: TMEM63A (transmembrane protein 63A; minus strand). Cytogenetic location: 1q42.12.
Variant type: Microsatellite.
Coding change: c.2308CAG[7] on transcript NM_014698.3 (MANE Select); seven copies in a row of the 3-base unit CAG starting at c.2308; the reference has six copies in a row; one copy, 3 bases duplicated.
Protein change: p.Gln775_Thr776insGln.
Genome position (GRCh38, 1-based): chr1:225,847,139-225,847,141, CTG duplicated on the plus strand (CAG on the coding strand, the reverse complement: TMEM63A is on the minus strand); duplicating any 3 consecutive bases within chr1:225,847,139-225,847,157 gives the same sequence; the position shown is the placement nearest the transcript's 3' end. VCF-style (leftmost placement, unchanged base first): chr1-225847138-T-TCTG. GRCh37 (hg19) VCF-style: chr1-226034839-T-TCTG.
Identifiers: ClinVar variation 5038665 (VCV005038665.1).
Genomic context (GRCh38, chr1:225,847,138, plus strand): 5'-CGCTCTGCGCCAAGCACTGTCCAGGGATAGTCCCGCTGATGTTGTGGATGGCACCATAGG[T>TCTG]CTGCTGCTGCTGCTGCTGCGGAGACAGTGCTGTCCTCTCCGAGGCCAAGCCGTTCAGAAT-3'

ClinVar aggregate classification (germline): Likely benign (1 of 4 stars; one submission).

Submission:

CeGaT Center for Human Genetics Tuebingen
Classification: Likely benign. Last evaluated: 2026-09-01. Review status: criteria provided, single submitter. Criteria: CeGaT Center For Human Genetics Tuebingen Variant Classification Criteria Version 2. Collection method: clinical testing. Allele origin: germline. Affected: yes. Observed: 2 variant alleles.
Comment: TMEM63A: BP3, BS2